The following is an entry in ClinVar:

ClinVar aggregate classification (germline): Uncertain significance (1 of 4 stars; one submission).

Submission:

Ambry Genetics
Classification: Uncertain significance. Last evaluated: 2023-03-25. Review status: criteria provided, single submitter. Criteria: Ambry Variant Classification Scheme 2023. Collection method: clinical testing. Allele origin: germline.
Comment: The p.P13H variant (also known as c.38C>A), located in coding exon 1 of the BUB3 gene, results from a C to A substitution at nucleotide position 38. The proline at codon 13 is replaced by histidine, an amino acid with similar properties. This amino acid position is conserved. In addition, the in silico prediction for this alteration is inconclusive. Since supporting evidence is limited at this time, the clinical significance of this alteration remains unclear.

NM_004725.4(BUB3):c.38C>A (p.Pro13His)

Gene: BUB3 (BUB3 mitotic checkpoint protein; plus strand). Cytogenetic location: 10q26.13.
Variant type: single nucleotide variant.
Coding change: c.38C>A on transcript NM_004725.4 (MANE Select); coding-DNA position 38, C replaced by A.
Protein change: p.Pro13His; replaces proline 13 with histidine.
Molecular consequence: missense variant.
Genome position (GRCh38, 1-based): chr10:123,154,955, C>A. VCF-style: chr10-123154955-C-A. GRCh37 (hg19) VCF-style: chr10-124914471-C-A.
Other names: c.38C>A, p.Pro13His (NM_001007793.3); short protein forms P13H.
Identifiers: ClinVar variation 2563120 (VCV002563120.2), dbSNP rs2493755195, ClinGen allele CA378624810.
Genomic context (GRCh38, chr10:123,154,955, plus strand): 5'-GACTCTGGGCGCCTGTTCTGCAGATGACCGGTTCTAACGAGTTCAAGCTGAACCAGCCAC[C>A]CGAGGATGGCATCTCCTCCGTGAAGTTCAGCCCCAACACCTCCCAGTTCCTGCTTGTCTC-3'
Protein context (NP_004716.1, residues 3-23): GSNEFKLNQP[Pro13His]EDGISSVKFS